The following is an entry in ClinVar:

ClinVar aggregate classification (germline): Uncertain significance (1 of 4 stars; one submission).

Submission:

Women's Health and Genetics/Laboratory Corporation of America, LabCorp
Classification: Uncertain significance. Last evaluated: 2020-11-17. Review status: criteria provided, single submitter. Criteria: LabCorp Variant Classification Summary - May 2015. Collection method: clinical testing. Allele origin: germline.
Comment: Variant summary: PON2 c.195delT (p.Phe65LeufsX5) results in a premature termination codon, predicted to cause a truncation of the encoded protein or absence of the protein due to nonsense mediated decay, which are potential mechanisms for disease. The variant was absent in 251384 control chromosomes. To our knowledge, no reports of c.195delT in individuals affected with Early Onset Coronary Artery Disease and no experimental evidence demonstrating an impact on protein function have been reported. There are several reports of somatic occurrences of the variant in tumor samples (e.g. Mouradov_2014, Shankar_2014). No clinical diagnostic laboratories have submitted clinical-significance assessments for this variant to ClinVar after 2014. Based on the evidence outlined above, the variant was classified as uncertain significance.

Literature cited by the submitters: PubMed 25589003; PubMed 24755471.

NM_000305.3(PON2):c.195del (p.Phe65fs)

Genes: ASB4 (ankyrin repeat and SOCS box containing 4; plus strand), PON2 (paraoxonase 2; minus strand), LOC107986822 (uncharacterized LOC107986822; plus strand). Cytogenetic location: 7q21.3.
Variant type: Deletion.
Coding change: c.195del on transcript NM_000305.3 (MANE Select); coding-DNA position 195, one base deleted (T; older notation c.195delT).
Protein change: p.Phe65fs; shifts the reading frame from phenylalanine 65.
Molecular consequence: frameshift variant.
Genome position (GRCh38, 1-based): chr7:95,416,248, A deleted on the plus strand (T on the coding strand, the reverse complement: PON2 is on the minus strand); the first of 7 consecutive A bases (chr7:95,416,248-95,416,254); deleting any one gives the same sequence. VCF-style (leftmost placement, unchanged base first): chr7-95416247-TA-T. GRCh37 (hg19) VCF-style: chr7-95045559-TA-T.
Other names: c.195del, p.Phe65fs (NM_001018161.2); short protein forms F65fs.
Identifiers: ClinVar variation 987838 (VCV000987838.1), dbSNP rs1201102139, ClinGen allele CA456502539.